The following is an entry in ClinVar:

NM_006516.4(SLC2A1):c.865G>C (p.Ala289Pro)

Gene: SLC2A1 (solute carrier family 2 member 1; minus strand). Cytogenetic location: 1p34.2.
Variant type: single nucleotide variant.
Coding change: c.865G>C on transcript NM_006516.4 (MANE Select); coding-DNA position 865, G replaced by C.
Protein change: p.Ala289Pro; replaces alanine 289 with proline.
Molecular consequence: missense variant.
Genome position (GRCh38, 1-based): chr1:42,929,595, C>G on the plus strand (G>C on the coding strand, the complement: SLC2A1 is on the minus strand). VCF-style: chr1-42929595-C-G. GRCh37 (hg19) VCF-style: chr1-43395266-C-G.
Other names: short protein forms A289P.
Identifiers: ClinVar variation 3727500 (VCV003727500.2).

ClinVar aggregate classification (germline): Likely pathogenic (1 of 4 stars; one submission).

Conditions:
GLUT1 deficiency syndrome 1, autosomal recessive. Identifiers: MedGen C3149117.

Submission:

Labcorp Genetics (formerly Invitae), Labcorp
Classification: Likely pathogenic for GLUT1 deficiency syndrome 1, autosomal recessive. Last evaluated: 2024-12-25. Review status: criteria provided, single submitter. Criteria: Invitae Variant Classification Sherloc (09022015). Collection method: clinical testing. Allele origin: germline.
Comment: This sequence change replaces alanine, which is neutral and non-polar, with proline, which is neutral and non-polar, at codon 289 of the SLC2A1 protein (p.Ala289Pro). This variant is not present in population databases (gnomAD no frequency). This missense change has been observed in individual(s) with clinical features of autosomal dominant SLC2A1-related conditions (internal data). In at least one individual the variant was observed to be de novo. An algorithm developed to predict the effect of missense changes on protein structure and function (PolyPhen-2) suggests that this variant is likely to be disruptive. In summary, the currently available evidence indicates that the variant is pathogenic, but additional data are needed to prove that conclusively. Therefore, this variant has been classified as Likely Pathogenic.